The following is an entry in ClinVar:

NM_033100.4(CDHR1):c.839G>A (p.Arg280Gln)

Gene: CDHR1 (cadherin related family member 1; plus strand). Cytogenetic location: 10q23.1.
Variant type: single nucleotide variant.
Coding change: c.839G>A on transcript NM_033100.4 (MANE Select); coding-DNA position 839, G replaced by A.
Protein change: p.Arg280Gln; replaces arginine 280 with glutamine.
Molecular consequence: missense variant.
Genome position (GRCh38, 1-based): chr10:84,204,582, G>A. VCF-style: chr10-84204582-G-A. GRCh37 (hg19) VCF-style: chr10-85964338-G-A.
Other names: c.839G>A, p.Arg280Gln (NM_001171971.3); c.839G>A (NM_033100.3); short protein forms R280Q.
Identifiers: ClinVar variation 1125574 (VCV001125574.11), dbSNP rs201649854, ClinGen allele CA5579730.
Genomic context (GRCh38, chr10:84,204,582, plus strand): 5'-CCGAGGGCTCGGAGGTACTGAAGGTGGTCGCCATGGATGGAGACCGGGGCAAACCCAATC[G>A]AATTCTCTACAGCCTTGTAAATGGTGAGTCTGAGCAGCTTTGGGGGCTGCAGCTTTGACT-3'
Protein context (NP_149091.1, residues 270-290): AMDGDRGKPN[Arg280Gln]ILYSLVNGND

ClinVar aggregate classification (germline): Conflicting classifications of pathogenicity. Review status: criteria provided, conflicting classifications (1 of 4 stars). 3 submissions from 3 submitters: Uncertain significance (1); Likely benign (1). 1 of the submissions does not count toward it. Last evaluated 2025-11-05.

Conditions:
CDHR1-related disorder. Also called: CDHR1-related condition.

Allele frequency attached by ClinVar (database versions not stated): gnomAD 0.00001; ESP Exome Variant Server 0.00008; TOPMed 0.00008; gnomAD exomes 0.00010; ExAC 0.00012.
gnomAD v4.1: 73 of 1,613,312 alleles (0.0045%); highest among the groups gnomAD compares: East Asian, 0.062%; no homozygotes.

Submissions (3):

Labcorp Genetics (formerly Invitae), Labcorp
Classification: Likely benign. Last evaluated: 2025-11-05. Review status: criteria provided, single submitter. Criteria: Invitae Variant Classification Sherloc (09022015). Collection method: clinical testing. Allele origin: germline.

Blueprint Genetics
Classification: Uncertain significance. Last evaluated: 2022-11-15. Review status: criteria provided, single submitter. Criteria: ACMG Guidelines, 2015. Collection method: clinical testing. Allele origin: germline.

PreventionGenetics, part of Exact Sciences
Classification: Likely benign for CDHR1-related condition. Last evaluated: 2024-08-28. Review status: no assertion criteria provided. Collection method: clinical testing. Allele origin: germline. Not counted in ClinVar's aggregate classification.
Comment: This variant is classified as likely benign based on ACMG/AMP sequence variant interpretation guidelines (Richards et al. 2015 PMID: 25741868, with internal and published modifications).